The following is an entry in ClinVar:

NM_004036.5(ADCY3):c.1101C>T (p.Gly367=)

Gene: ADCY3 (adenylate cyclase 3; minus strand). Cytogenetic location: 2p23.3.
Variant type: single nucleotide variant.
Coding change: c.1101C>T on transcript NM_004036.5 (MANE Select); coding-DNA position 1101, C replaced by T.
Protein change: p.Gly367=; no amino-acid change (glycine 367 retained).
Molecular consequence: synonymous variant.
Genome position (GRCh38, 1-based): chr2:24,841,354, G>A on the plus strand (C>T on the coding strand, the complement: ADCY3 is on the minus strand). VCF-style: chr2-24841354-G-A. GRCh37 (hg19) VCF-style: chr2-25064223-G-A.
Other names: c.1101C>T, p.Gly367= (NM_001320613.2, NM_001377128.1, NM_001377129.1 and 2 more transcripts); c.378C>T, p.Gly126= (NM_001377131.1).
Identifiers: ClinVar variation 4986060 (VCV004986060.1).
Genomic context (GRCh38, chr2:24,841,354, plus strand): 5'-GGAGCAGACGGCGTGGTCCTCCCGGTAGTCGGGCAAGCCGCAGATGCAGTAGTAGCAGTC[G>A]CCCAGGATCTTAATCCGCAGCTGGTGGTATTTCTGAAAGGGGAGGGCCTGGCCTGTGCTC-3'
Protein context (NP_004027.2, residues 357-377): KYHQLRIKIL[Gly367=]DCYYCICGLP

ClinVar aggregate classification (germline): Likely benign (1 of 4 stars; one submission).

Conditions:
ADCY3-related disorder. Also called: ADCY3-related condition.

gnomAD v4.1: 18 of 1,606,574 alleles (0.0011%); highest among the groups gnomAD compares: South Asian, 0.009%; no homozygotes.

Submission:

PreventionGenetics, part of Exact Sciences
Classification: Likely benign for ADCY3-related condition. Last evaluated: 2025-09-10. Review status: criteria provided, single submitter. Criteria: ACMG Guidelines, 2015. Collection method: clinical testing. Allele origin: germline.
Comment: This variant is classified as likely benign based on ACMG/AMP sequence variant interpretation guidelines (Richards et al. 2015 PMID: 25741868, with internal and published modifications).